The following is an entry in ClinVar:

ClinVar aggregate classification (germline): Likely benign. Review status: criteria provided, multiple submitters, no conflicts (2 of 4 stars). 3 submissions from 3 submitters: Likely benign (3). Last evaluated 2025-07-14.

Conditions:
Charcot-Marie-Tooth disease axonal type 2C (HMSN2C). Also called: Charcot-Marie-Tooth Disease Type 2, TRPV4-Related (CMT2C); CHARCOT-MARIE-TOOTH DISEASE, AXONAL, AUTOSOMAL DOMINANT, TYPE 2C; Charcot-Marie-Tooth Neuropathy Type 2C. Identifiers: Orphanet 99937, MedGen C1853710, MONDO:0011633, OMIM 606071.

Allele frequency attached by ClinVar (database versions not stated): ExAC 0.00001; gnomAD 0.00006; TOPMed 0.00006; gnomAD exomes 0.00002.

Submissions (3):

Labcorp Genetics (formerly Invitae), Labcorp
Classification: Likely benign for Charcot-Marie-Tooth disease axonal type 2C. Last evaluated: 2025-07-14. Review status: criteria provided, single submitter. Criteria: Invitae Variant Classification Sherloc (09022015). Collection method: clinical testing. Allele origin: germline.

ARUP Laboratories, Molecular Genetics and Genomics, ARUP Laboratories
Classification: Likely benign. Last evaluated: 2023-08-21. Review status: criteria provided, single submitter. Criteria: ARUP Molecular Germline Variant Investigation Process 2024. Collection method: clinical testing. Allele origin: germline.

CeGaT Center for Human Genetics Tuebingen
Classification: Likely benign. Last evaluated: 2022-03-01. Review status: criteria provided, single submitter. Criteria: CeGaT Center For Human Genetics Tuebingen Variant Classification Criteria Version 2. Collection method: clinical testing. Allele origin: germline. Affected: yes. Observed: 1 variant allele.
Comment: TRPV4: BP4, BP7

NM_021625.5(TRPV4):c.144G>A (p.Ser48=)

Gene: TRPV4 (transient receptor potential cation channel subfamily V member 4; minus strand). Cytogenetic location: 12q24.11.
Variant type: single nucleotide variant.
Coding change: c.144G>A on transcript NM_021625.5 (MANE Select); coding-DNA position 144, G replaced by A.
Protein change: p.Ser48=; no amino-acid change (serine 48 retained).
Molecular consequence: synonymous variant. On other transcripts: intron variant (1).
Genome position (GRCh38, 1-based): chr12:109,814,653, C>T on the plus strand (G>A on the coding strand, the complement: TRPV4 is on the minus strand). VCF-style: chr12-109814653-C-T. GRCh37 (hg19) VCF-style: chr12-110252458-C-T.
Other names: c.144G>A, p.Ser48= (NM_001177428.2, NM_001177433.2, NM_147204.3); c.80-38G>A (NM_001177431.1).
Identifiers: ClinVar variation 1151102 (VCV001151102.40), dbSNP rs748274621, ClinGen allele CA6780613.